The following is an entry in ClinVar:

ClinVar aggregate classification (germline): Uncertain significance (1 of 4 stars; one submission).

Submission:

Ambry Genetics
Classification: Uncertain significance. Last evaluated: 2023-05-10. Review status: criteria provided, single submitter. Criteria: Ambry Variant Classification Scheme 2023. Collection method: clinical testing. Allele origin: germline.
Comment: The c.135_140delCGGGGC variant (also known as p.G46_A47del) is located in coding exon 1 of the GALNT12 gene. This variant results from an in-frame CGGGGC deletion at nucleotide positions 135 to 140. This results in the in-frame deletion of a glycine and alanine at codons 46 and 47. This amino acid region is not well conserved in available vertebrate species. The evidence for this gene-disease relationship is limited; therefore, the clinical significance of this alteration is unclear.

NM_024642.5(GALNT12):c.129CGGGGC[1] (p.42GA[2])

Gene: GALNT12 (polypeptide N-acetylgalactosaminyltransferase 12; plus strand). Cytogenetic location: 9q22.33.
Variant type: Microsatellite.
Coding change: c.129CGGGGC[1] on transcript NM_024642.5 (MANE Select); one copy of the 6-base unit CGGGGC starting at c.129; the reference has two copies in a row; one copy, 6 bases deleted.
Protein change: p.42GA[2].
Molecular consequence: inframe deletion.
Genome position (GRCh38, 1-based): chr9:98,807,833-98,807,838, CGGGGC deleted; deleting any 6 consecutive bases within chr9:98,807,822-98,807,838 gives the same sequence; the position shown is the placement nearest the transcript's 3' end. VCF-style (leftmost placement, unchanged base first): chr9-98807821-TGGGGCC-T. GRCh37 (hg19) VCF-style: chr9-101570103-TGGGGCC-T.
Identifiers: ClinVar variation 2566258 (VCV002566258.2), dbSNP rs1194232383, ClinGen allele CA913142054.
Genomic context (GRCh38, chr9:98,807,821, plus strand): 5'-GTTGGTGCTCCTGGCGCTACTGGCGTTGGCCGGGCTGGGCTCGGTGCTGCGGGCGCAGCG[TGGGGCC>T]GGGGCCGGGGCTGCCGAGCCGGGACCCCCGCGCACCCCGCGCCCCGGGCGGCGCGAGCCG-3'